The following is an entry in ClinVar:

NM_000069.3(CACNA1S):c.2907-9C>T

Gene: CACNA1S (calcium voltage-gated channel subunit alpha1 S; minus strand). Cytogenetic location: 1q32.1.
Variant type: single nucleotide variant.
Coding change: c.2907-9C>T on transcript NM_000069.3 (MANE Select); 9 bases into the intron before coding-DNA position 2907, C replaced by T.
Molecular consequence: intron variant.
Genome position (GRCh38, 1-based): chr1:201,062,099, G>A on the plus strand (C>T on the coding strand, the complement: CACNA1S is on the minus strand). VCF-style: chr1-201062099-G-A. GRCh37 (hg19) VCF-style: chr1-201031227-G-A.
Identifiers: ClinVar variation 2946721 (VCV002946721.5), dbSNP rs746199258, ClinGen allele CA079411.

ClinVar aggregate classification (germline): Likely benign. Review status: criteria provided, multiple submitters, no conflicts (2 of 4 stars). 3 submissions from 3 submitters: Likely benign (3). Last evaluated 2023-10-06.

Conditions:
Hypokalemic periodic paralysis, type 1. Also called: HypoPP; Hypokalemic Periodic Paralysis Type 1 (AD). Identifiers: Orphanet 681, MedGen C3714580, MONDO:0042979, OMIM 170400.
Malignant hyperthermia, susceptibility to, 5 (MHS5). Also called: CACNA1S-Related Malignant Hyperthermia Susceptibility. Identifiers: Orphanet 423, MedGen C1866077, MONDO:0011163, OMIM 601887.

Allele frequency attached by ClinVar (database versions not stated): ExAC 0.00001; gnomAD 0.00001; gnomAD exomes 0.00001; TOPMed 0.00001.
gnomAD v4.1: 24 of 1,612,818 alleles (0.0015%); highest among the groups gnomAD compares: Non-Finnish European, 0.0018%; no homozygotes.

Submissions (3):

All of Us Research Program, National Institutes of Health
Classification: Likely benign for Malignant hyperthermia, susceptibility to, 5. Last evaluated: 2023-10-06. Review status: criteria provided, single submitter. Criteria: ACMG Guidelines, 2015. Collection method: clinical testing. Allele origin: germline. Inheritance: Autosomal dominant inheritance. Observed: 1 variant allele, 1 heterozygote.
Comment: This study involves interpretation of variants in research participants for the purpose of population health screening. Participant phenotype was not available at the time of variant classification. Additional details can be found in publication PMID: 35346344, PMCID: PMC8962531

Color Diagnostics, LLC DBA Color Health
Classification: Likely benign for Malignant hyperthermia, susceptibility to, 5. Last evaluated: 2023-09-28. Review status: criteria provided, single submitter. Criteria: ACMG Guidelines, 2015. Collection method: clinical testing. Allele origin: germline.

Labcorp Genetics (formerly Invitae), Labcorp
Classification: Likely benign for Hypokalemic periodic paralysis, type 1; Malignant hyperthermia, susceptibility to, 5. Last evaluated: 2023-07-07. Review status: criteria provided, single submitter. Criteria: Invitae Variant Classification Sherloc (09022015). Collection method: clinical testing. Allele origin: germline.